The following is an entry in ClinVar:

NM_005219.5(DIAPH1):c.1461G>A (p.Lys487=)

Gene: DIAPH1 (diaphanous related formin 1; minus strand). Cytogenetic location: 5q31.3.
Variant type: single nucleotide variant.
Coding change: c.1461G>A on transcript NM_005219.5 (MANE Select); coding-DNA position 1461, G replaced by A.
Protein change: p.Lys487=; no amino-acid change (lysine 487 retained).
Molecular consequence: synonymous variant.
Genome position (GRCh38, 1-based): chr5:141,576,230, C>T on the plus strand (G>A on the coding strand, the complement: DIAPH1 is on the minus strand). VCF-style: chr5-141576230-C-T. GRCh37 (hg19) VCF-style: chr5-140955797-C-T.
Other names: c.1434G>A, p.Lys478= (NM_001079812.3); c.1461G>A, p.Lys487= (NM_001314007.2).
Identifiers: ClinVar variation 4793647 (VCV004793647.1).

ClinVar aggregate classification (germline): Uncertain significance (1 of 4 stars; one submission).

Conditions:
Autosomal dominant nonsyndromic hearing loss 1. Also called: DEAFNESS, AUTOSOMAL DOMINANT 1, WITH OR WITHOUT THROMBOCYTOPENIA; KONIGSMARK SYNDROME. Identifiers: Orphanet 90635, MedGen C1852282, MONDO:0007424, OMIM 124900.
Progressive microcephaly-seizures-cortical blindness-developmental delay syndrome. Also called: Seizures, cortical blindness, and microcephaly syndrome. Identifiers: Orphanet 477814, MedGen C5567650, MONDO:0014714, OMIM 616632.

Submission:

Labcorp Genetics (formerly Invitae), Labcorp
Classification: Uncertain significance for Progressive microcephaly-seizures-cortical blindness-developmental delay syndrome; Autosomal dominant nonsyndromic hearing loss 1. Last evaluated: 2025-01-30. Review status: criteria provided, single submitter. Criteria: Invitae Variant Classification Sherloc (09022015). Collection method: clinical testing. Allele origin: germline.
Comment: This sequence change affects codon 487 of the DIAPH1 mRNA. It is a 'silent' change, meaning that it does not change the encoded amino acid sequence of the DIAPH1 protein. This variant also falls at the last nucleotide of exon 14, which is part of the consensus splice site for this exon. This variant is not present in population databases (gnomAD no frequency). This variant has not been reported in the literature in individuals affected with DIAPH1-related conditions. Variants that disrupt the consensus splice site are a relatively common cause of aberrant splicing (PMID: 17576681, 9536098). Algorithms developed to predict the effect of sequence changes on RNA splicing suggest that this variant may disrupt the consensus splice site. In summary, the available evidence is currently insufficient to determine the role of this variant in disease. Therefore, it has been classified as a Variant of Uncertain Significance.

Literature cited by the submitters: PubMed 17576681; PubMed 9536098.